The following is an entry in ClinVar:

NM_145207.3(AFG2A):c.1508A>C (p.His503Pro)

Gene: AFG2A (AAA ATPase AFG2A; plus strand). Cytogenetic location: 4q28.1.
Variant type: single nucleotide variant.
Coding change: c.1508A>C on transcript NM_145207.3 (MANE Select); coding-DNA position 1508, A replaced by C.
Protein change: p.His503Pro; replaces histidine 503 with proline.
Molecular consequence: missense variant.
Genome position (GRCh38, 1-based): chr4:122,947,282, A>C. VCF-style: chr4-122947282-A-C. GRCh37 (hg19) VCF-style: chr4-123868437-A-C.
Other names: c.1505A>C, p.His502Pro (NM_001317799.2, NM_001345856.2); short protein forms H503P, H502P.
Identifiers: ClinVar variation 955540 (VCV000955540.6), dbSNP rs1730077184, ClinGen allele CA358108129.

ClinVar aggregate classification (germline): Uncertain significance (1 of 4 stars; one submission).

Conditions:
Microcephaly-intellectual disability-sensorineural hearing loss-epilepsy-abnormal muscle tone syndrome (NEDHSB). Also called: NEURODEVELOPMENTAL DISORDER WITH HEARING LOSS, SEIZURES, AND BRAIN ABNORMALITIES. Identifiers: Orphanet 457351, MedGen C4225276, MONDO:0014698, OMIM 616577.

Allele frequency attached by ClinVar (database versions not stated): gnomAD 0.00001.
gnomAD v4.1: 1 of 1,612,284 alleles (0.000062%); highest among the groups gnomAD compares: African/African-American, 0.0013%; no homozygotes.

Submission:

Labcorp Genetics (formerly Invitae), Labcorp
Classification: Uncertain significance for Microcephaly-intellectual disability-sensorineural hearing loss-epilepsy-abnormal muscle tone syndrome. Last evaluated: 2019-08-08. Review status: criteria provided, single submitter. Criteria: Invitae Variant Classification Sherloc (09022015). Collection method: clinical testing. Allele origin: germline.
Comment: In summary, the available evidence is currently insufficient to determine the role of this variant in disease. Therefore, it has been classified as a Variant of Uncertain Significance. This sequence change replaces histidine with proline at codon 503 of the SPATA5 protein (p.His503Pro). The histidine residue is highly conserved and there is a moderate physicochemical difference between histidine and proline. This variant is not present in population databases (ExAC no frequency). This variant has not been reported in the literature in individuals with SPATA5-related conditions. Algorithms developed to predict the effect of missense changes on protein structure and function (SIFT, PolyPhen-2, Align-GVGD) all suggest that this variant is likely to be disruptive, but these predictions have not been confirmed by published functional studies and their clinical significance is uncertain.